The following is an entry in ClinVar:

NM_001035.3(RYR2):c.6023-12T>C

Gene: RYR2 (ryanodine receptor 2; plus strand). Cytogenetic location: 1q43.
Variant type: single nucleotide variant.
Coding change: c.6023-12T>C on transcript NM_001035.3 (MANE Select); 12 bases into the intron before coding-DNA position 6023, T replaced by C.
Molecular consequence: intron variant.
Genome position (GRCh38, 1-based): chr1:237,625,649, T>C. VCF-style: chr1-237625649-T-C. GRCh37 (hg19) VCF-style: chr1-237788949-T-C.
Identifiers: ClinVar variation 3385754 (VCV003385754.1).

ClinVar aggregate classification (germline): Likely benign (1 of 4 stars; one submission).

Conditions:
Catecholaminergic polymorphic ventricular tachycardia (CVPT). Also called: Catecholamine-induced polymorphic ventricular tachycardia. Identifiers: Orphanet 3286, MedGen C5574922, MONDO:0017990.

Submission:

All of Us Research Program, National Institutes of Health
Classification: Likely benign for Catecholaminergic polymorphic ventricular tachycardia. Last evaluated: 2024-08-13. Review status: criteria provided, single submitter. Criteria: ACMG Guidelines, 2015. Collection method: clinical testing. Allele origin: germline. Inheritance: Autosomal dominant inheritance. Observed: 1 variant allele, 1 heterozygote.
Comment: This study involves interpretation of variants in research participants for the purpose of population health screening. Participant phenotype was not available at the time of variant classification. Additional details can be found in publication PMID: 35346344, PMCID: PMC8962531